The following is an entry in ClinVar:

ClinVar aggregate classification (germline): Conflicting classifications of pathogenicity. Review status: criteria provided, conflicting classifications (1 of 4 stars). 3 submissions from 3 submitters: Uncertain significance (1); Likely benign (2). Last evaluated 2024-11-22.

Allele frequency attached by ClinVar (database versions not stated): TOPMed below 0.00001.

Submissions (3):

ARUP Laboratories, Molecular Genetics and Genomics, ARUP Laboratories
Classification: Likely benign. Last evaluated: 2024-11-22. Review status: criteria provided, single submitter. Criteria: ARUP Molecular Germline Variant Investigation Process 2024. Collection method: clinical testing. Allele origin: germline.
Comment: The Hb Matsue-Oki variant (HBA2: c.226G>A; p.Asp76Asn, also known as Asp75Asn when numbered from the mature protein, HbVarID: 114, rs281864858, ClinVar Variation ID: 619849) is reported in the heterozygous state in multiple healthy individuals and in combination with additional alpha globin variants without exacerbating clinical symptoms (See HbVar and references therein, Eftekhari 2018). This variant is absent from the Genome Aggregation Database, indicating it is not a common polymorphism. Computational analyses are uncertain whether this variant is neutral or deleterious (REVEL: 0.391). Based on available information, this variant is considered to be likely benign. References: Link to HbVar: Eftekhari H et al. Coinheritance of Sicilian (delta-beta)0-Thalassemia and Two Rare Hemoglobin Variants: A Complex Case of Hemoglobinopathy. Indian J Clin Biochem. 2018 Apr;33(2):231-234. PMID: 29651217.

Women's Health and Genetics/Laboratory Corporation of America, LabCorp
Classification: Uncertain significance. Last evaluated: 2024-05-23. Review status: criteria provided, single submitter. Criteria: LabCorp Variant Classification Summary - May 2015. Collection method: clinical testing. Allele origin: germline.
Comment: Variant summary: HBA2 c.226G>A (p.Asp76Asn) results in a conservative amino acid change located in the Globin domain (IPR000971) of the encoded protein sequence. Four of five in-silico tools predict a benign effect of the variant on protein function. The variant was absent in 139942 control chromosomes. The available data on variant occurrences in the general population are insufficient to allow any conclusion about variant significance. c.226G>A has been reported in the literature as heterozygous in individuals without apparent Autosomal recessive Alpha Thalassemia (Yi-Tao_1982, Eftekhari_2018, Perutz_1990). These reports do not provide unequivocal conclusions about association of the variant with Alpha Thalassemia. To our knowledge, no experimental evidence demonstrating an impact on protein function has been reported. The following publications have been ascertained in the context of this evaluation (PMID: 29651217, 2285785, 6814490). ClinVar contains an entry for this variant (Variation ID: 619849). Based on the evidence outlined above, the variant was classified as uncertain significance.

Quest Diagnostics Nichols Institute San Juan Capistrano
Classification: Likely benign. Last evaluated: 2020-08-04. Review status: criteria provided, single submitter. Criteria: Quest Diagnostics criteria. Collection method: clinical testing. Allele origin: unknown.

Literature cited by the submitters: PubMed 6814490 (cited by Women's Health and Genetics/Laboratory Corporation of America, LabCorp and Quest Diagnostics Nichols Institute San Juan Capistrano); PubMed 29651217 (cited by Women's Health and Genetics/Laboratory Corporation of America, LabCorp and Quest Diagnostics Nichols Institute San Juan Capistrano); PubMed 2285785 (cited by Women's Health and Genetics/Laboratory Corporation of America, LabCorp); PubMed 893135 (cited by Quest Diagnostics Nichols Institute San Juan Capistrano); PubMed 640845 (cited by Quest Diagnostics Nichols Institute San Juan Capistrano).

NM_000517.6(HBA2):c.226G>A (p.Asp76Asn)

Genes: HBA2 (hemoglobin subunit alpha 2; plus strand), LOC106804612 (hemoglobin subunit alpha 2 recombination region; plus strand). Cytogenetic location: 16p13.3.
Variant type: single nucleotide variant.
Coding change: c.226G>A on transcript NM_000517.6 (MANE Select); coding-DNA position 226, G replaced by A.
Protein change: p.Asp76Asn; replaces aspartic acid 76 with asparagine.
Molecular consequence: missense variant.
Genome position (GRCh38, 1-based): chr16:173,255, G>A. VCF-style: chr16-173255-G-A. GRCh37 (hg19) VCF-style: chr16-223254-G-A.
Other names: short protein forms D76N.
Identifiers: ClinVar variation 619849 (VCV000619849.13), dbSNP rs281864858, ClinGen allele CA276414866.